The following is an entry in ClinVar:

NM_001458.5(FLNC):c.5777A>G (p.Tyr1926Cys)

Genes: FLNC-AS1 (FLNC antisense RNA 1; minus strand), FLNC (filamin C; plus strand). Cytogenetic location: 7q32.1.
Variant type: single nucleotide variant.
Coding change: c.5777A>G on transcript NM_001458.5 (MANE Select); coding-DNA position 5777, A replaced by G.
Protein change: p.Tyr1926Cys; replaces tyrosine 1926 with cysteine.
Molecular consequence: missense variant.
Genome position (GRCh38, 1-based): chr7:128,851,563, A>G. VCF-style: chr7-128851563-A-G. GRCh37 (hg19) VCF-style: chr7-128491617-A-G.
Other names: c.5678A>G, p.Tyr1893Cys (NM_001127487.2); short protein forms Y1926C, Y1893C.
Identifiers: ClinVar variation 472110 (VCV000472110.14), dbSNP rs376653815, ClinGen allele CA4475780.

ClinVar aggregate classification (germline): Conflicting classifications of pathogenicity. Review status: criteria provided, conflicting classifications (1 of 4 stars). 2 submissions from 2 submitters: Uncertain significance (1); Likely benign (1). Last evaluated 2025-12-08.

Conditions:
Distal myopathy with posterior leg and anterior hand involvement. Also called: WILLIAMS DISTAL MYOPATHY. Identifiers: Orphanet 63273, MedGen C3279722, MONDO:0013550, OMIM 614065.
Myofibrillar myopathy 5. Also called: Filaminopathy (type); FILAMINOPATHY, AUTOSOMAL DOMINANT. Identifiers: Orphanet 171445, MedGen C1836050, MONDO:0012289, OMIM 609524.
Hypertrophic cardiomyopathy 26. Also called: Cardiomyopathy, familial hypertrophic, 26. Identifiers: Orphanet 75249, MedGen C4310749, MONDO:0014883, OMIM 617047.
Cardiovascular phenotype. Identifiers: MedGen CN230736.

Allele frequency attached by ClinVar (database versions not stated): gnomAD exomes below 0.00001; ExAC 0.00001; ESP Exome Variant Server 0.00008.

Submissions (2):

Labcorp Genetics (formerly Invitae), Labcorp
Classification: Likely benign for Distal myopathy with posterior leg and anterior hand involvement; Myofibrillar myopathy 5; Hypertrophic cardiomyopathy 26. Last evaluated: 2025-12-08. Review status: criteria provided, single submitter. Criteria: Invitae Variant Classification Sherloc (09022015). Collection method: clinical testing. Allele origin: germline.

Ambry Genetics
Classification: Uncertain significance for Cardiovascular phenotype. Last evaluated: 2025-08-28. Review status: criteria provided, single submitter. Criteria: Ambry Variant Classification Scheme 2023. Collection method: clinical testing. Allele origin: germline.
Comment: The p.Y1926C variant (also known as c.5777A>G), located in coding exon 35 of the FLNC gene, results from an A to G substitution at nucleotide position 5777. The tyrosine at codon 1926 is replaced by cysteine, an amino acid with highly dissimilar properties. This amino acid position is highly conserved in available vertebrate species. In addition, this alteration is predicted to be deleterious by in silico analysis. Since supporting evidence is limited at this time, the clinical significance of this alteration remains unclear.